The following is an entry in ClinVar:

NM_001352514.2(HLCS):c.1581del (p.Pro528fs)

Gene: HLCS (holocarboxylase synthetase; minus strand). Cytogenetic location: 21q22.13.
Variant type: Deletion.
Coding change: c.1581del on transcript NM_001352514.2 (MANE Select); coding-DNA position 1581, one base deleted (T; older notation c.1581delT).
Protein change: p.Pro528fs; shifts the reading frame from proline 528.
Molecular consequence: frameshift variant. On other transcripts: non-coding transcript variant (2).
Genome position (GRCh38, 1-based): chr21:36,930,290, A deleted on the plus strand (T on the coding strand, the reverse complement: HLCS is on the minus strand); the first of 2 consecutive A bases (chr21:36,930,290-36,930,291); deleting either gives the same sequence. VCF-style (leftmost placement, unchanged base first): chr21-36930289-GA-G. GRCh37 (hg19) VCF-style: chr21-38302589-GA-G.
Other names: c.1140del, p.Pro381fs (NM_000411.8, NM_001242784.3, NM_001242785.2 and 4 more transcripts); short protein forms P381fs, P528fs.
Identifiers: ClinVar variation 4734847 (VCV004734847.1).

ClinVar aggregate classification (germline): Pathogenic (1 of 4 stars; one submission).

Conditions:
Holocarboxylase synthetase deficiency. Also called: MULTIPLE CARBOXYLASE DEFICIENCY, EARLY ONSET. Identifiers: Orphanet 79242, MedGen C0268581, MONDO:0009666, OMIM 253270.

Submission:

Labcorp Genetics (formerly Invitae), Labcorp
Classification: Pathogenic for Holocarboxylase synthetase deficiency. Last evaluated: 2026-01-06. Review status: criteria provided, single submitter. Criteria: Invitae Variant Classification Sherloc (09022015). Collection method: clinical testing. Allele origin: germline.
Comment: This sequence change creates a premature translational stop signal (p.Pro381Leufs*3) in the HLCS gene. It is expected to result in an absent or disrupted protein product. Loss-of-function variants in HLCS are known to be pathogenic (PMID: 16134170). This variant is not present in population databases (gnomAD no frequency). This variant has not been reported in the literature in individuals affected with HLCS-related conditions. For these reasons, this variant has been classified as Pathogenic.

Literature cited by the submitters: PubMed 16134170.